The following is an entry in ClinVar:

ClinVar aggregate classification (germline): Benign/Likely benign. Review status: criteria provided, multiple submitters, no conflicts (2 of 4 stars). 14 submissions from 14 submitters: Benign (7); Likely benign (4). 3 of the submissions do not count toward it. Last evaluated 2026-09-01.

Conditions:
Cardiovascular phenotype. Identifiers: MedGen CN230736.
Cardiomyopathy (CMYO). Also called: Cardiomyopathies. Identifiers: Orphanet 167848, MedGen C0878544, MONDO:0004994, HP:0001638. Inheritance: Various modes of inheritance.
Arrhythmogenic right ventricular dysplasia 9 (ARVD9). Also called: Arrhythmogenic Right Ventricular Dysplasia/Cardiomyopathy 9; ARRHYTHMOGENIC RIGHT VENTRICULAR DYSPLASIA, FAMILIAL, 9. Identifiers: MedGen C1836906, MONDO:0012180, OMIM 609040.

Allele frequency attached by ClinVar (database versions not stated): TOPMed 0.00258; 1000 Genomes Project 0.00280; ESP Exome Variant Server 0.00231; 1000 Genomes Project 30x 0.00234; ExAC 0.00289; gnomAD 0.00245 and 0.00239; gnomAD exomes 0.00290 and 0.00320.

Submissions (16):

CeGaT Center for Human Genetics Tuebingen
Classification: Benign. Last evaluated: 2026-09-01. Review status: criteria provided, single submitter. Criteria: CeGaT Center For Human Genetics Tuebingen Variant Classification Criteria Version 2. Collection method: clinical testing. Allele origin: germline. Affected: yes. Observed: 16 variant alleles.
Comment: PKP2: BS1, BS2

Labcorp Genetics (formerly Invitae), Labcorp
Classification: Benign for Arrhythmogenic right ventricular dysplasia 9. Last evaluated: 2026-02-04. Review status: criteria provided, single submitter. Criteria: Invitae Variant Classification Sherloc (09022015). Collection method: clinical testing. Allele origin: germline.

Blueprint Genetics
Classification: Likely benign. Last evaluated: 2024-11-27. Review status: criteria provided, single submitter. Criteria: ACMG Guidelines, 2015. Collection method: clinical testing. Allele origin: germline.

ARUP Laboratories, Molecular Genetics and Genomics, ARUP Laboratories
Classification: Benign for Arrhythmogenic right ventricular dysplasia 9. Last evaluated: 2020-07-10. Review status: criteria provided, single submitter. Criteria: ARUP Molecular Germline Variant Investigation Process. Collection method: clinical testing. Allele origin: germline.

Color Diagnostics, LLC DBA Color Health
Classification: Likely benign for Cardiomyopathy. Last evaluated: 2018-03-13. Review status: criteria provided, single submitter. Criteria: ACMG Guidelines, 2015. Collection method: clinical testing. Allele origin: germline.

Illumina Laboratory Services, Illumina
Classification: Likely benign for Arrhythmogenic right ventricular dysplasia 9. Last evaluated: 2018-01-13. Review status: criteria provided, single submitter. Criteria: ICSL Variant Classification Criteria 13 December 2019. Collection method: clinical testing. Allele origin: germline.
Comment: This variant was observed in the ICSL laboratory as part of a predisposition screen in an ostensibly healthy population. It had not been previously curated by ICSL or reported in the Human Gene Mutation Database (HGMD: prior to June 1st, 2018), and was therefore a candidate for classification through an automated scoring system. Utilizing variant allele frequency, disease prevalence and penetrance estimates, and inheritance mode, an automated score was calculated to assess if this variant is too frequent to cause the disease. Based on the score and internal cut-off values, a variant classified as likely benign is not then subjected to further curation. The score for this variant resulted in a classification of likely benign for this disease.

Genome Diagnostics Laboratory, University Medical Center Utrecht
Classification: Benign for Arrhythmogenic right ventricular dysplasia 9. Last evaluated: 2017-05-30. Review status: criteria provided, single submitter. Criteria: ACGS Guidelines, 2013. Collection method: clinical testing. Allele origin: germline. Affected: yes. Study: VKGL Data-share Consensus.

Clinical Genetics DNA and cytogenetics Diagnostics Lab, Erasmus MC, Erasmus Medical Center
Classification: Benign for Arrhythmogenic right ventricular dysplasia 9. Last evaluated: 2015-09-21. Review status: criteria provided, single submitter. Criteria: ACGS Guidelines, 2013. Collection method: clinical testing. Allele origin: germline. Affected: yes. Study: VKGL Data-share Consensus.

Laboratory for Molecular Medicine, Mass General Brigham Personalized Medicine
Classification: Likely benign. Last evaluated: 2015-06-19. Review status: criteria provided, single submitter. Criteria: LMM Criteria. Collection method: clinical testing. Allele origin: germline. Observed: 8 variant alleles.
Comment: c.1171-11T>C in intron 4 of PKP2: This variant is not expected to have clinical significance because it has been identified in 0.4% (67/16410) of South Asian ch romosomes and 0.3% (229/65858) of European chromosomes by the Exome Aggregation Consortium (ExAC; dbSNP rs183414126).

GeneDx
Classification: Benign. Last evaluated: 2015-03-03. Review status: criteria provided, single submitter. Criteria: GeneDx Variant Classification Process June 2021. Collection method: clinical testing. Allele origin: germline. Affected: yes.

Ambry Genetics
Classification: Benign for Cardiovascular phenotype. Last evaluated: 2014-12-08. Review status: criteria provided, single submitter. Criteria: Ambry Variant Classification Scheme 2023. Collection method: clinical testing. Allele origin: germline.

Clinical Genetics, Academic Medical Center
Classification: Benign. Review status: no assertion criteria provided. Collection method: clinical testing. Allele origin: germline. Affected: yes. Study: VKGL Data-share Consensus. Not counted in ClinVar's aggregate classification.

Diagnostic Laboratory, Department of Genetics, University Medical Center Groningen
Classification: Likely benign for Arrhythmogenic right ventricular dysplasia 9. Review status: no assertion criteria provided. Collection method: clinical testing. Allele origin: germline. Affected: yes. Study: VKGL Data-share Consensus. Not counted in ClinVar's aggregate classification.

Dr. Peter K. Rogan Lab, Western University
No classification provided (evidence only). Condition: Familial cancer of breast. Review status: no classification provided. Collection method: in vitro. Allele origin: not applicable. Functional consequence: retained intron. Not counted in ClinVar's aggregate classification.

Dr. Peter K. Rogan Lab, Western University
No classification provided (evidence only). Condition: Malignant tumor of esophagus. Review status: no classification provided. Collection method: in vitro. Allele origin: not applicable. Functional consequence: skipped exon. Not counted in ClinVar's aggregate classification.

Joint Genome Diagnostic Labs from Nijmegen and Maastricht, Radboudumc and MUMC+
Classification: Benign. Review status: no assertion criteria provided. Collection method: clinical testing. Allele origin: germline. Affected: yes. Study: VKGL Data-share Consensus. Not counted in ClinVar's aggregate classification.

NM_001005242.3(PKP2):c.1171-11T>C

Gene: PKP2 (plakophilin 2; minus strand). Cytogenetic location: 12p11.21.
Variant type: single nucleotide variant.
Coding change: c.1171-11T>C on transcript NM_001005242.3 (MANE Select); 11 bases into the intron before coding-DNA position 1171, T replaced by C.
Molecular consequence: intron variant.
Genome position (GRCh38, 1-based): chr12:32,850,984, A>G on the plus strand (T>C on the coding strand, the complement: PKP2 is on the minus strand). VCF-style: chr12-32850984-A-G. GRCh37 (hg19) VCF-style: chr12-33003918-A-G.
Other names: c.1171-11T>C (NM_004572.4).
Identifiers: ClinVar variation 45014 (VCV000045014.60), dbSNP rs183414126, ClinGen allele CA010871.